The following is an entry in ClinVar:

ClinVar aggregate classification (germline): Uncertain significance (1 of 4 stars; one submission).

Conditions:
Dilated cardiomyopathy 1D. Identifiers: Orphanet 154, Orphanet 54260, MedGen C1832243, MONDO:0011095, OMIM 601494.
Hypertrophic cardiomyopathy 2. Also called: TNNT2-Related Familial Hypertrophic Cardiomyopathy. Identifiers: MedGen C1861864, MONDO:0007266, OMIM 115195.
Cardiomyopathy, familial restrictive, 3. Identifiers: Orphanet 75249, MedGen C2676271, MONDO:0012900, OMIM 612422.

Submission:

Labcorp Genetics (formerly Invitae), Labcorp
Classification: Uncertain significance for Cardiomyopathy, familial restrictive, 3; Hypertrophic cardiomyopathy 2; Dilated cardiomyopathy 1D. Last evaluated: 2025-09-20. Review status: criteria provided, single submitter. Criteria: Invitae Variant Classification Sherloc (09022015). Collection method: clinical testing. Allele origin: germline.
Comment: This sequence change replaces alanine, which is neutral and non-polar, with threonine, which is neutral and polar, at codon 20 of the TNNT2 protein (p.Ala20Thr). This variant is not present in population databases (gnomAD no frequency). This variant has not been reported in the literature in individuals affected with TNNT2-related conditions. An algorithm developed to predict the effect of missense changes on protein structure and function outputs the following: PolyPhen-2: "Not Available". The threonine amino acid residue is found in multiple mammalian species, which suggests that this missense change does not adversely affect protein function. In summary, the available evidence is currently insufficient to determine the role of this variant in disease. Therefore, it has been classified as a Variant of Uncertain Significance.

NM_001276345.2(TNNT2):c.58G>A (p.Ala20Thr)

Gene: TNNT2 (troponin T2, cardiac type; minus strand). Cytogenetic location: 1q32.1.
Variant type: single nucleotide variant.
Coding change: c.58G>A on transcript NM_001276345.2 (MANE Select); coding-DNA position 58, G replaced by A.
Protein change: p.Ala20Thr; replaces alanine 20 with threonine.
Molecular consequence: missense variant. On other transcripts: intron variant (2).
Genome position (GRCh38, 1-based): chr1:201,372,036, C>T on the plus strand (G>A on the coding strand, the complement: TNNT2 is on the minus strand). VCF-style: chr1-201372036-C-T. GRCh37 (hg19) VCF-style: chr1-201341164-C-T.
Other names: c.58G>A, p.Ala20Thr (NM_000364.4, NM_001001430.3, NM_001001431.3 and 7 more transcripts); c.52+109G>A (NM_001001432.3, NM_001406728.1); short protein forms A20T.
Identifiers: ClinVar variation 4792518 (VCV004792518.1).
Genomic context (GRCh38, chr1:201,372,036, plus strand): 5'-ACATTGCTGAGCCTGCCCCTTTCTGGCTCTCCACCTGCCTGAGGCACATACCTTCAACAG[C>T]TGCTTCTGCTCAGAAGAGAAGTCCAGGCAGCAAGAGAAGAGAGAAGAGGTGGGTCAGTTT-3'
Protein context (NP_001263274.1, residues 10-30): EYEEEEQEEA[Ala20Thr]VEEEEDWRED